The following is an entry in ClinVar:

ClinVar aggregate classification (germline): Uncertain significance (1 of 4 stars; one submission).

Allele frequency attached by ClinVar (database versions not stated): TOPMed below 0.00001; gnomAD 0.00001; gnomAD exomes 0.00001; ExAC 0.00002.
gnomAD v4.1: 11 of 1,613,900 alleles (0.00068%); highest among the groups gnomAD compares: East Asian, 0.0045%; no homozygotes.

Submission:

Labcorp Genetics (formerly Invitae), Labcorp
Classification: Uncertain significance. Last evaluated: 2024-04-08. Review status: criteria provided, single submitter. Criteria: Invitae Variant Classification Sherloc (09022015). Collection method: clinical testing. Allele origin: germline.
Comment: This sequence change replaces alanine, which is neutral and non-polar, with threonine, which is neutral and polar, at codon 51 of the NDUFB10 protein (p.Ala51Thr). This variant is present in population databases (rs755247936, gnomAD 0.005%). This variant has not been reported in the literature in individuals affected with NDUFB10-related conditions. An algorithm developed to predict the effect of missense changes on protein structure and function (PolyPhen-2) suggests that this variant is likely to be disruptive. In summary, the available evidence is currently insufficient to determine the role of this variant in disease. Therefore, it has been classified as a Variant of Uncertain Significance.

NM_004548.3(NDUFB10):c.151G>A (p.Ala51Thr)

Gene: NDUFB10 (NADH:ubiquinone oxidoreductase subunit B10; plus strand). Cytogenetic location: 16p13.3.
Variant type: single nucleotide variant.
Coding change: c.151G>A on transcript NM_004548.3 (MANE Select); coding-DNA position 151, G replaced by A.
Protein change: p.Ala51Thr; replaces alanine 51 with threonine.
Molecular consequence: missense variant.
Genome position (GRCh38, 1-based): chr16:1,961,173, G>A. VCF-style: chr16-1961173-G-A. GRCh37 (hg19) VCF-style: chr16-2011174-G-A.
Other names: short protein forms A51T.
Identifiers: ClinVar variation 2876454 (VCV002876454.3), dbSNP rs755247936, ClinGen allele CA7823258.